The following is an entry in ClinVar:

NM_006514.4(SCN10A):c.5149T>C (p.Tyr1717His)

Gene: SCN10A (sodium voltage-gated channel alpha subunit 10; minus strand). Cytogenetic location: 3p22.2.
Variant type: single nucleotide variant.
Coding change: c.5149T>C on transcript NM_006514.4 (MANE Select); coding-DNA position 5149, T replaced by C.
Protein change: p.Tyr1717His; replaces tyrosine 1717 with histidine.
Molecular consequence: missense variant.
Genome position (GRCh38, 1-based): chr3:38,698,071, A>G on the plus strand (T>C on the coding strand, the complement: SCN10A is on the minus strand). VCF-style: chr3-38698071-A-G. GRCh37 (hg19) VCF-style: chr3-38739562-A-G.
Other names: c.5146T>C, p.Tyr1716His (NM_001293306.2); c.4855T>C, p.Tyr1619His (NM_001293307.2); short protein forms Y1716H, Y1717H, Y1619H.
Identifiers: ClinVar variation 1745646 (VCV001745646.2), dbSNP rs2470552690, ClinGen allele CA352154401.

ClinVar aggregate classification (germline): Uncertain significance (1 of 4 stars; one submission).

Conditions:
Cardiovascular phenotype. Identifiers: MedGen CN230736.

Submission:

Ambry Genetics
Classification: Uncertain significance for Cardiovascular phenotype. Last evaluated: 2020-03-24. Review status: criteria provided, single submitter. Criteria: Ambry Variant Classification Scheme 2023. Collection method: clinical testing. Allele origin: germline.
Comment: The p.Y1717H variant (also known as c.5149T>C), located in coding exon 27 of the SCN10A gene, results from a T to C substitution at nucleotide position 5149. The tyrosine at codon 1717 is replaced by histidine, an amino acid with similar properties. This amino acid position is highly conserved in available vertebrate species. In addition, this alteration is predicted to be deleterious by in silico analysis. Since supporting evidence is limited at this time, the clinical significance of this alteration remains unclear.